The following is an entry in ClinVar:

ClinVar aggregate classification (germline): Likely benign. Review status: criteria provided, multiple submitters, no conflicts (2 of 4 stars). 3 submissions from 3 submitters: Likely benign (3). Last evaluated 2025-11-10.

Conditions:
Carnitine acylcarnitine translocase deficiency (CACTD). Identifiers: Orphanet 159, MedGen C0342791, MONDO:0008918, OMIM 212138.

Allele frequency attached by ClinVar (database versions not stated): gnomAD exomes below 0.00001 and 0.00001; ExAC 0.00001; gnomAD 0.00001; TOPMed 0.00001.
gnomAD v4.1: 16 of 1,603,854 alleles (0.001%); highest among the groups gnomAD compares: Non-Finnish European, 0.0014%; no homozygotes.

Submissions (3):

Labcorp Genetics (formerly Invitae), Labcorp
Classification: Likely benign for Carnitine acylcarnitine translocase deficiency. Last evaluated: 2025-11-10. Review status: criteria provided, single submitter. Criteria: Invitae Variant Classification Sherloc (09022015). Collection method: clinical testing. Allele origin: germline.

Blueprint Genetics
Classification: Likely benign. Last evaluated: 2024-04-17. Review status: criteria provided, single submitter. Criteria: ACMG Guidelines, 2015. Collection method: clinical testing. Allele origin: germline.

GeneDx
Classification: Likely benign. Last evaluated: 2016-10-20. Review status: criteria provided, single submitter. Criteria: GeneDx Variant Classification (06012015). Collection method: clinical testing. Allele origin: germline. Affected: yes.
Comment: This variant is considered likely benign or benign based on one or more of the following criteria: it is a conservative change, it occurs at a poorly conserved position in the protein, it is predicted to be benign by multiple in silico algorithms, and/or has population frequency not consistent with disease.

NM_000387.6(SLC25A20):c.327-13G>C

Gene: SLC25A20 (solute carrier family 25 member 20; minus strand). Cytogenetic location: 3p21.31.
Variant type: single nucleotide variant.
Coding change: c.327-13G>C on transcript NM_000387.6 (MANE Select); 13 bases into the intron before coding-DNA position 327, G replaced by C.
Molecular consequence: intron variant.
Genome position (GRCh38, 1-based): chr3:48,879,461, C>G on the plus strand (G>C on the coding strand, the complement: SLC25A20 is on the minus strand). VCF-style: chr3-48879461-C-G. GRCh37 (hg19) VCF-style: chr3-48916894-C-G.
Identifiers: ClinVar variation 390030 (VCV000390030.5), dbSNP rs781297561, ClinGen allele CA2387422.